The following is an entry in ClinVar:

NM_012330.4(KAT6B):c.3918del (p.Ile1307fs)

Gene: KAT6B (lysine acetyltransferase 6B; plus strand). Cytogenetic location: 10q22.2.
Variant type: Deletion.
Coding change: c.3918del on transcript NM_012330.4 (MANE Select); coding-DNA position 3918, one base deleted (G; older notation c.3918delG).
Protein change: p.Ile1307fs; shifts the reading frame from isoleucine 1307.
Molecular consequence: frameshift variant.
Genome position (GRCh38, 1-based): chr10:75,028,742, G deleted; the last of 2 consecutive G bases (chr10:75,028,741-75,028,742); deleting either gives the same sequence. VCF-style (leftmost placement, unchanged base first): chr10-75028740-AG-A. GRCh37 (hg19) VCF-style: chr10-76788498-AG-A.
Other names: c.3369del, p.Ile1124fs (NM_001256468.2, NM_001370138.1); c.3042del, p.Ile1015fs (NM_001256469.2, NM_001370139.1, NM_001370140.1 and 2 more transcripts); c.2880del, p.Ile961fs (NM_001370132.1); c.2229del, p.Ile744fs (NM_001370133.1); c.1833del, p.Ile612fs (NM_001370134.1); c.1575del, p.Ile526fs (NM_001370135.1); c.3918del, p.Ile1307fs (NM_001370136.1, NM_001370137.1); c.2853del, p.Ile952fs (NM_001370143.1, NM_001370144.1); short protein forms I526fs, I952fs, I1124fs, I1307fs, I744fs, I1015fs, I612fs, I961fs.
Identifiers: ClinVar variation 280854 (VCV000280854.2), dbSNP rs886041987, ClinGen allele CA10603153.
Genomic context (GRCh38, chr10:75,028,740, plus strand): 5'-CAGGTAACAGTGGAAGAACAGAAGGAGACTTCAGAAGGAAAAACCAGCCCCAGTCCCATC[AG>A]GATTGAGGAGGAGGTCAAGGAAACTGGGGAAGCCCTGTTGCCTCAAGAGGAAAACAGAAG-3'

ClinVar aggregate classification (germline): Likely pathogenic (1 of 4 stars; one submission).

Submission:

GeneDx
Classification: Likely pathogenic. Last evaluated: 2016-09-16. Review status: criteria provided, single submitter. Criteria: GeneDx Variant Classification (06012015). Collection method: clinical testing. Allele origin: germline. Affected: yes.
Comment: The c.3918delG variant in the KAT6B gene causes a frameshift starting with codon Isoleucine 1307, changes this amino acid to a Leucine residue and creates a premature Stop codon at position 27 of the new reading frame, denoted p.Ile1307LeufsX27. This variant is predicted to cause loss of normal protein function through protein truncation with the last 767 correct residues being replaced by 26 incorrect residues. Additionally, the variant was not observed in approximately 6,500 individuals of European and African American ancestry in the NHLBI Exome Sequencing Project, indicating it is not a common benign variant in these populations.